The following is an entry in ClinVar:

NM_005070.4(SLC4A3):c.2599G>C (p.Asp867His)

Gene: SLC4A3 (solute carrier family 4 member 3; plus strand). Cytogenetic location: 2q35.
Variant type: single nucleotide variant.
Coding change: c.2599G>C on transcript NM_005070.4 (MANE Select); coding-DNA position 2599, G replaced by C.
Protein change: p.Asp867His; replaces aspartic acid 867 with histidine.
Molecular consequence: missense variant. On other transcripts: non-coding transcript variant (1).
Genome position (GRCh38, 1-based): chr2:219,637,644, G>C. VCF-style: chr2-219637644-G-C. GRCh37 (hg19) VCF-style: chr2-220502366-G-C.
Other names: p.Asp894His; c.2680G>C, p.Asp894His (NM_001326559.2, NM_201574.3); short protein forms D867H, D894H.
Identifiers: ClinVar variation 771701 (VCV000771701.7), dbSNP rs61729101, ClinGen allele CA2134258.

ClinVar aggregate classification (germline): Benign/Likely benign. Review status: criteria provided, multiple submitters, no conflicts (2 of 4 stars). 4 submissions from 4 submitters: Benign (3); Likely benign (1). Last evaluated 2025-04-09.

Allele frequency attached by ClinVar (database versions not stated): 1000 Genomes Project 0.00439; TOPMed 0.00880; 1000 Genomes Project 30x 0.00422; gnomAD 0.01016 and 0.01057; gnomAD exomes 0.00958 and 0.01443; ExAC 0.00950; ESP Exome Variant Server 0.01123.
gnomAD v4.1: 22,380 of 1,613,182 alleles (1.4%); highest among the groups gnomAD compares: Non-Finnish European, 1.7%; 212 homozygotes.

Submissions (4):

Molecular Diagnostic Laboratory for Inherited Cardiovascular Disease, Montreal Heart Institute
Classification: Likely benign. Last evaluated: 2025-04-09. Review status: criteria provided, single submitter. Criteria: ACMG Guidelines, 2015. Collection method: clinical testing. Allele origin: germline. Affected: no.

Mayo Clinic Laboratories, Mayo Clinic
Classification: Benign. Last evaluated: 2023-06-21. Review status: criteria provided, single submitter. Criteria: ACMG Guidelines, 2015. Collection method: clinical testing. Allele origin: germline. Observed: 17 variant alleles.
Comment: BS1, BS2

Labcorp Genetics (formerly Invitae), Labcorp
Classification: Benign. Last evaluated: 2019-12-31. Review status: criteria provided, single submitter. Criteria: Invitae Variant Classification Sherloc (09022015). Collection method: clinical testing. Allele origin: germline.

Breakthrough Genomics
Classification: Benign. Review status: criteria provided, single submitter. Criteria: ACMG Guidelines, 2015. Collection method: not provided. Allele origin: germline. Inheritance: Autosomal dominant inheritance. Affected: yes.